The following is an entry in ClinVar:

ClinVar aggregate classification (germline): Uncertain significance (1 of 4 stars; one submission).

Conditions:
Distal myopathy with posterior leg and anterior hand involvement. Also called: WILLIAMS DISTAL MYOPATHY. Identifiers: Orphanet 63273, MedGen C3279722, MONDO:0013550, OMIM 614065.
Dilated Cardiomyopathy, Dominant.
Myofibrillar myopathy 5. Also called: Filaminopathy (type); FILAMINOPATHY, AUTOSOMAL DOMINANT. Identifiers: Orphanet 171445, MedGen C1836050, MONDO:0012289, OMIM 609524.
Hypertrophic cardiomyopathy 26. Also called: Cardiomyopathy, familial hypertrophic, 26. Identifiers: Orphanet 75249, MedGen C4310749, MONDO:0014883, OMIM 617047.

Allele frequency attached by ClinVar (database versions not stated): gnomAD exomes below 0.00001 and 0.00001; TOPMed 0.00002.
gnomAD v4.1: 4 of 1,613,062 alleles (0.00025%); highest among the groups gnomAD compares: East Asian, 0.0067%; no homozygotes.

Submission:

Labcorp Genetics (formerly Invitae), Labcorp
Classification: Uncertain significance for Distal myopathy with posterior leg and anterior hand involvement; Myofibrillar myopathy 5; Hypertrophic cardiomyopathy 26. Last evaluated: 2024-04-01. Review status: criteria provided, single submitter. Criteria: Invitae Variant Classification Sherloc (09022015). Collection method: clinical testing. Allele origin: germline.
Comment: This sequence change replaces proline, which is neutral and non-polar, with arginine, which is basic and polar, at codon 875 of the FLNC protein (p.Pro875Arg). This variant is present in population databases (no rsID available, gnomAD 0.006%). This variant has not been reported in the literature in individuals affected with FLNC-related conditions. ClinVar contains an entry for this variant (Variation ID: 472015). Advanced modeling of protein sequence and biophysical properties (such as structural, functional, and spatial information, amino acid conservation, physicochemical variation, residue mobility, and thermodynamic stability) has been performed at Invitae for this missense variant, however the output from this modeling did not meet the statistical confidence thresholds required to predict the impact of this variant on FLNC protein function. In summary, the available evidence is currently insufficient to determine the role of this variant in disease. Therefore, it has been classified as a Variant of Uncertain Significance.

NM_001458.5(FLNC):c.2624C>G (p.Pro875Arg)

Gene: FLNC (filamin C; plus strand). Cytogenetic location: 7q32.1.
Variant type: single nucleotide variant.
Coding change: c.2624C>G on transcript NM_001458.5 (MANE Select); coding-DNA position 2624, C replaced by G.
Protein change: p.Pro875Arg; replaces proline 875 with arginine.
Molecular consequence: missense variant.
Genome position (GRCh38, 1-based): chr7:128,843,302, C>G. VCF-style: chr7-128843302-C-G. GRCh37 (hg19) VCF-style: chr7-128483356-C-G.
Other names: c.2624C>G, p.Pro875Arg (NM_001127487.2); short protein forms P875R.
Identifiers: ClinVar variation 472015 (VCV000472015.10), dbSNP rs1418979185, ClinGen allele CA369192579.
Genomic context (GRCh38, chr7:128,843,302, plus strand): 5'-GCCCCTTCCACATCAAGGTGGACCCATCCCACGATGCCAGCAAAGTCAAGGCCGAGGGCC[C>G]TGGGCTGAATCGCACAGGTGAGTGTCTGGGCAGGGGCTGGGACTGGCTCGAGGTTGGGGT-3'
Protein context (NP_001449.3, residues 865-885): HDASKVKAEG[Pro875Arg]GLNRTGVEVG